The following is an entry in ClinVar:

ClinVar aggregate classification (germline): Conflicting classifications of pathogenicity. Review status: criteria provided, conflicting classifications (1 of 4 stars). 9 submissions from 9 submitters: Uncertain significance (3); Benign (1); Likely benign (5). Last evaluated 2026-01-27.

Conditions:
Cardiovascular phenotype. Identifiers: MedGen CN230736.
Cardiomyopathy (CMYO). Also called: Cardiomyopathies. Identifiers: Orphanet 167848, MedGen C0878544, MONDO:0004994, HP:0001638. Inheritance: Various modes of inheritance.
X-linked Emery-Dreifuss muscular dystrophy. Also called: Muscular dystrophy, tardive Emery-Dreifuss type, with contractures. Identifiers: Orphanet 261, Orphanet 98863, MedGen C0751337, MONDO:0010680.

Allele frequency attached by ClinVar (database versions not stated): ESP Exome Variant Server 0.00009; gnomAD 0.00017 and 0.00018; gnomAD exomes 0.00017 and 0.00030; TOPMed 0.00018; ExAC 0.00022.
gnomAD v4.1: 222 of 1,208,664 alleles (0.018%); highest among the groups gnomAD compares: Non-Finnish European, 0.0048%; no homozygotes.

Submissions (9):

Labcorp Genetics (formerly Invitae), Labcorp
Classification: Benign for X-linked Emery-Dreifuss muscular dystrophy. Last evaluated: 2026-01-27. Review status: criteria provided, single submitter. Criteria: Invitae Variant Classification Sherloc (09022015). Collection method: clinical testing. Allele origin: germline.

Blueprint Genetics
Classification: Likely benign. Last evaluated: 2024-07-18. Review status: criteria provided, single submitter. Criteria: ACMG Guidelines, 2015. Collection method: clinical testing. Allele origin: germline.

Ambry Genetics
Classification: Likely benign for Cardiovascular phenotype. Last evaluated: 2019-05-29. Review status: criteria provided, single submitter. Criteria: Ambry Variant Classification Scheme 2023. Collection method: clinical testing. Allele origin: germline.

ARUP Laboratories, Molecular Genetics and Genomics, ARUP Laboratories
Classification: Likely benign. Last evaluated: 2017-08-07. Review status: criteria provided, single submitter. Criteria: ARUP Molecular Germline Variant Investigation Process. Collection method: clinical testing. Allele origin: germline.
Comment: The c.272A>G; p.Asn91Ser variant (rs137977232) has not been reported in the medical literature, nor has it been previously identified by our laboratory. This variant is listed in the Genome Aggregation Database (gnomAD) with a population frequency of 0.6 percent in the Ashkenazi Jewish population (identified on 43 out of 7,450 chromosomes, including17 hemizygotes), and has been reported to ClinVar (Variation ID: 42272). The asparagine at position 91 is moderately conserved considering 11 species (Alamut v2.9.0) and computational analyses of the effects of the p.Asn91Ser variant on protein structure and function provide conflicting results (SIFT: tolerated, MutationTaster: disease causing, PolyPhen-2: benign). Given the overabundance of hemizygotes in the population (21 total in gnomAD), the p.Asn91Ser is likely benign.

GeneDx
Classification: Likely benign. Last evaluated: 2017-04-28. Review status: criteria provided, single submitter. Criteria: GeneDx Variant Classification (06012015). Collection method: clinical testing. Allele origin: germline. Affected: yes.
Comment: This variant is considered likely benign or benign based on one or more of the following criteria: it is a conservative change, it occurs at a poorly conserved position in the protein, it is predicted to be benign by multiple in silico algorithms, and/or has population frequency not consistent with disease.

Eurofins Ntd Llc (ga)
Classification: Likely benign. Last evaluated: 2017-04-07. Review status: criteria provided, single submitter. Criteria: EGL Classification Definitions 2015. Collection method: clinical testing. Allele origin: germline. Observed: 1 variant allele, 1 hemizygote.

CHEO Genetics Diagnostic Laboratory, Children's Hospital of Eastern Ontario
Classification: Uncertain significance for Cardiomyopathy. Last evaluated: 2016-05-16. Review status: criteria provided, single submitter. Criteria: ACMG Guidelines, 2015. Collection method: clinical testing. Allele origin: germline. Study: Canadian Open Genetics Repository.

Stanford Center for Inherited Cardiovascular Disease, Stanford University
Classification: Uncertain significance. Last evaluated: 2015-09-16. Review status: criteria provided, single submitter. Criteria: ACMG Guidelines, 2015. Collection method: provider interpretation. Allele origin: germline.

Laboratory for Molecular Medicine, Mass General Brigham Personalized Medicine
Classification: Uncertain significance. Last evaluated: 2013-04-05. Review status: criteria provided, single submitter. Criteria: LMM Criteria. Collection method: clinical testing. Allele origin: germline. Observed: 4 variant alleles.
Comment: Variant classified as Uncertain Significance - Favor Benign. This var iant did not segregate with disease in the family with DCM. In addition, this va riant has been identified in 1/6725 European American chromosomes by the NHLBI E xome Sequencing Project (dbSNP rs137977232). L astly, computational analyses (biochemical amino acid properties, conservation, AlignGVGD, PolyPhen2, and SIFT) suggest that the Asn91Ser variant may not impact the protein, though this information is not predictive enough to rule out patho genicity. In summary, the lack of segregation and presence in both HCM and DCM s uggest that this variant is more likely benign, but additional information is ne eded to fully assess the clinical significance of this variant.

Literature cited by the submitters: PubMed 19377476 (cited by Ambry Genetics).

NM_000117.3(EMD):c.272A>G (p.Asn91Ser)

Gene: EMD (emerin; plus strand). Cytogenetic location: Xq28.
Variant type: single nucleotide variant.
Coding change: c.272A>G on transcript NM_000117.3 (MANE Select); coding-DNA position 272, A replaced by G.
Protein change: p.Asn91Ser; replaces asparagine 91 with serine.
Molecular consequence: missense variant.
Genome position (GRCh38, 1-based): chrX:154,380,240, A>G. VCF-style: chrX-154380240-A-G. GRCh37 (hg19) VCF-style: chrX-153608600-A-G.
Other names: short protein forms N91S.
Identifiers: ClinVar variation 42272 (VCV000042272.33), dbSNP rs137977232, ClinGen allele CA131118.